The following is an entry in ClinVar:

ClinVar aggregate classification (germline): Conflicting classifications of pathogenicity. Review status: criteria provided, conflicting classifications (1 of 4 stars). 7 submissions from 7 submitters: Uncertain significance (2); Benign (1); Likely benign (4). Last evaluated 2025-12-15.

Conditions:
Cardiovascular phenotype. Identifiers: MedGen CN230736.
Cardiomyopathy (CMYO). Also called: Cardiomyopathies. Identifiers: Orphanet 167848, MedGen C0878544, MONDO:0004994, HP:0001638. Inheritance: Various modes of inheritance.
Hypertrophic cardiomyopathy. Also called: HYPERTROPHIC MYOCARDIOPATHY. Identifiers: Orphanet 217569, MedGen C0007194, MeSH D002312, MONDO:0005045, HP:0001639.

Allele frequency attached by ClinVar (database versions not stated): 1000 Genomes Project 30x 0.00031; gnomAD 0.00001 and 0.00003; TOPMed 0.00001; ExAC 0.00009; 1000 Genomes Project 0.00020.
gnomAD v4.1: 45 of 1,614,230 alleles (0.0028%); highest among the groups gnomAD compares: Middle Eastern, 0.049%; no homozygotes.

Submissions (7):

Labcorp Genetics (formerly Invitae), Labcorp
Classification: Uncertain significance for Hypertrophic cardiomyopathy. Last evaluated: 2025-12-15. Review status: criteria provided, single submitter. Criteria: Invitae Variant Classification Sherloc (09022015). Collection method: clinical testing. Allele origin: germline.
Comment: This sequence change falls in intron 32 of the MYH7 gene. It does not directly change the encoded amino acid sequence of the MYH7 protein. It affects a nucleotide within the consensus splice site. This variant is present in population databases (rs549509054, gnomAD 0.04%). This variant has not been reported in the literature in individuals affected with MYH7-related conditions. ClinVar contains an entry for this variant (Variation ID: 407177). Variants that disrupt the consensus splice site are a relatively common cause of aberrant splicing (PMID: 17576681, 9536098). Algorithms developed to predict the effect of sequence changes on RNA splicing suggest that this variant is not likely to affect RNA splicing. In summary, the available evidence is currently insufficient to determine the role of this variant in disease. Therefore, it has been classified as a Variant of Uncertain Significance.

Ambry Genetics
Classification: Benign for Cardiovascular phenotype. Last evaluated: 2024-05-06. Review status: criteria provided, single submitter. Criteria: Ambry Variant Classification Scheme 2023. Collection method: clinical testing. Allele origin: germline.

Clinical Genetics Laboratory, Skane University Hospital Lund
Classification: Likely benign. Last evaluated: 2024-02-29. Review status: criteria provided, single submitter. Criteria: ACMG Guidelines, 2015. Collection method: clinical testing. Allele origin: germline. Affected: yes.

All of Us Research Program, National Institutes of Health
Classification: Likely benign for Cardiomyopathy. Last evaluated: 2023-10-06. Review status: criteria provided, single submitter. Criteria: ACMG Guidelines, 2015. Collection method: clinical testing. Allele origin: germline. Inheritance: Autosomal dominant inheritance. Observed: 2 variant alleles, 2 heterozygotes.
Comment: This study involves interpretation of variants in research participants for the purpose of population health screening. Participant phenotype was not available at the time of variant classification. Additional details can be found in publication PMID: 35346344, PMCID: PMC8962531

Revvity Omics, Revvity
Classification: Uncertain significance. Last evaluated: 2022-10-11. Review status: criteria provided, single submitter. Criteria: ACMG Guidelines, 2015. Collection method: clinical testing. Allele origin: germline.

GeneDx
Classification: Likely benign. Last evaluated: 2018-11-30. Review status: criteria provided, single submitter. Criteria: GeneDx Variant Classification Process June 2021. Collection method: clinical testing. Allele origin: germline. Affected: yes.

Color Diagnostics, LLC DBA Color Health
Classification: Likely benign for Cardiomyopathy. Last evaluated: 2018-10-18. Review status: criteria provided, single submitter. Criteria: ACMG Guidelines, 2015. Collection method: clinical testing. Allele origin: germline.

Literature cited by the submitters: PubMed 17576681 (cited by Labcorp Genetics (formerly Invitae), Labcorp); PubMed 9536098 (cited by Labcorp Genetics (formerly Invitae), Labcorp).

NM_000257.4(MYH7):c.4520-3C>T

Genes: MHRT (myosin heavy chain associated RNA transcript; plus strand), MYH7 (myosin heavy chain 7; minus strand). Cytogenetic location: 14q11.2.
Variant type: single nucleotide variant.
Coding change: c.4520-3C>T on transcript NM_000257.4 (MANE Select); 3 bases into the intron before coding-DNA position 4520, C replaced by T.
Molecular consequence: intron variant. On other transcripts: non-coding transcript variant (1).
Genome position (GRCh38, 1-based): chr14:23,416,995, G>A on the plus strand (C>T on the coding strand, the complement: MYH7 is on the minus strand). VCF-style: chr14-23416995-G-A. GRCh37 (hg19) VCF-style: chr14-23886204-G-A.
Identifiers: ClinVar variation 407177 (VCV000407177.16), dbSNP rs549509054, ClinGen allele CA042684.